The following is an entry in ClinVar:

NM_000051.4(ATM):c.9071C>A (p.Thr3024Asn)

Genes: ATM (ATM serine/threonine kinase; plus strand), C11orf65 (chromosome 11 open reading frame 65; minus strand). Cytogenetic location: 11q22.3.
Variant type: single nucleotide variant.
Coding change: c.9071C>A on transcript NM_000051.4 (MANE Select); coding-DNA position 9071, C replaced by A.
Protein change: p.Thr3024Asn; replaces threonine 3024 with asparagine.
Molecular consequence: missense variant. On other transcripts: intron variant (2).
Genome position (GRCh38, 1-based): chr11:108,365,408, C>A. VCF-style: chr11-108365408-C-A. GRCh37 (hg19) VCF-style: chr11-108236135-C-A.
Other names: c.9071C>A, p.Thr3024Asn (NM_001351834.2); c.640+20512G>T (NM_001330368.2); c.694+20512G>T (NM_001351110.2); short protein forms T3024N.
Identifiers: ClinVar variation 921817 (VCV000921817.7), dbSNP rs786203183, ClinGen allele CA382531671.

ClinVar aggregate classification (germline): Uncertain significance. Review status: criteria provided, multiple submitters, no conflicts (2 of 4 stars). 2 submissions from 2 submitters: Uncertain significance (2). Last evaluated 2023-12-05.

Conditions:
Hereditary cancer-predisposing syndrome. Also called: Tumor predisposition; Neoplastic Syndromes, Hereditary; Hereditary neoplastic syndrome; Hereditary Cancer Syndrome. Identifiers: Orphanet 140162, MedGen C0027672, MeSH D009386, MONDO:0015356.

gnomAD v4.1: 1 of 1,614,186 alleles (0.000062%); highest among the groups gnomAD compares: Non-Finnish European, 0.000085%; no homozygotes.

Submissions (2):

Color Diagnostics, LLC DBA Color Health
Classification: Uncertain significance for Hereditary cancer-predisposing syndrome. Last evaluated: 2023-12-05. Review status: criteria provided, single submitter. Criteria: ACMG Guidelines, 2015. Collection method: clinical testing. Allele origin: germline.
Comment: This missense variant replaces threonine with asparagine at codon 3024 of the ATM protein. Computational prediction tools and conservation analyses are inconclusive regarding the impact of this variant on the protein function. Computational splicing tools suggest that this variant may not impact RNA splicing. To our knowledge, functional assays have not been performed for this variant nor has this variant been reported in individuals affected with hereditary cancer in the literature. This variant has not been identified in the general population by the Genome Aggregation Database (gnomAD). Available evidence is insufficient to determine the role of this variant in disease conclusively. Therefore, this variant is classified as a Variant of Uncertain Significance.

GeneDx
Classification: Uncertain significance. Last evaluated: 2023-10-04. Review status: criteria provided, single submitter. Criteria: GeneDx Variant Classification Process June 2021. Collection method: clinical testing. Allele origin: germline. Affected: yes.
Comment: Not observed at significant frequency in large population cohorts (gnomAD); In silico analysis supports that this missense variant does not alter protein structure/function; Has not been previously published as pathogenic or benign to our knowledge; This variant is associated with the following publications: (PMID: 23532176)